The following is an entry in ClinVar:

ClinVar aggregate classification (germline): Uncertain significance (1 of 4 stars; one submission).

Conditions:
Townes-Brocks syndrome 2 (TBS2). Identifiers: MedGen C4479534, MONDO:0054582, OMIM 617466.

Submission:

Laboratorio de Genetica e Diagnostico Molecular, Hospital Israelita Albert Einstein
Classification: Uncertain significance for Townes-Brocks syndrome 2. Last evaluated: 2025-08-22. Review status: criteria provided, single submitter. Criteria: ACMG Guidelines, 2015. Collection method: clinical testing. Allele origin: germline. Affected: yes.
Comment: ACMG classification criteria: PVS1 moderate, PM2 supporting

NM_001079520.2(DACT1):c.1168_1177del (p.Gln390fs)

Gene: DACT1 (dishevelled binding antagonist of beta catenin 1; plus strand). Cytogenetic location: 14q23.1.
Variant type: Deletion.
Coding change: c.1168_1177del on transcript NM_001079520.2 (MANE Select); coding-DNA positions 1168 to 1177, 10 bases deleted (CAAGCCGAAA; older notation c.1168_1177delCAAGCCGAAA).
Protein change: p.Gln390fs; shifts the reading frame from glutamine 390.
Molecular consequence: frameshift variant. On other transcripts: non-coding transcript variant (5).
Genome position (GRCh38, 1-based): chr14:58,645,902-58,645,911, CAAGCCGAAA deleted; deleting any 10 consecutive bases within chr14:58,645,900-58,645,911 gives the same sequence; the c. name uses the placement nearest the transcript's 3' end. VCF-style (leftmost placement, unchanged base first): chr14-58645899-GAACAAGCCGA-G. GRCh37 (hg19) VCF-style: chr14-59112617-GAACAAGCCGA-G.
Other names: c.1279_1288del, p.Gln427fs (NM_016651.6); short protein forms Q390fs, Q427fs.
Identifiers: ClinVar variation 4847007 (VCV004847007.1).
Genomic context (GRCh38, chr14:58,645,899, plus strand): 5'-CCTTCTCTGAACAATGGGACATTCTCCCCACCGAAGCAGTGGTCGAAAGAATCAAAGGCC[GAACAAGCCGA>G]AAGCAAGAGGGTGCCCCTGCCAGAGGGCTGCCCCTCAGGCGCTGCCTCCGACCTTCAGAG-3'